The following is an entry in ClinVar:

NM_001126108.2(SLC12A3):c.2121C>G (p.Ala707=)

Gene: SLC12A3 (solute carrier family 12 member 3; plus strand). Cytogenetic location: 16q13.
Variant type: single nucleotide variant.
Coding change: c.2121C>G on transcript NM_001126108.2 (MANE Select); coding-DNA position 2121, C replaced by G.
Protein change: p.Ala707=; no amino-acid change (alanine 707 retained).
Molecular consequence: synonymous variant.
Genome position (GRCh38, 1-based): chr16:56,887,036, C>G. VCF-style: chr16-56887036-C-G. GRCh37 (hg19) VCF-style: chr16-56920948-C-G.
Other names: c.2121C>G, p.Ala707= (NM_000339.3); c.2118C>G, p.Ala706= (NM_001126107.2); c.2121C>G (NM_000339.2).
Identifiers: ClinVar variation 1128293 (VCV001128293.11), dbSNP rs762500731, ClinGen allele CA8069740.

ClinVar aggregate classification (germline): Likely benign. Review status: criteria provided, multiple submitters, no conflicts (2 of 4 stars). 3 submissions from 3 submitters: Likely benign (2). 1 of the submissions does not count toward it. Last evaluated 2026-01-14.

Conditions:
SLC12A3-related disorder. Also called: SLC12A3-related condition.
Familial hypokalemia-hypomagnesemia (GTLMNS). Also called: HYPOMAGNESEMIA-HYPOKALEMIA, PRIMARY RENOTUBULAR, WITH HYPOCALCIURIA; POTASSIUM AND MAGNESIUM DEPLETION; gitelman syndrome. Identifiers: Orphanet 358, MedGen C0268450, MONDO:0009904, OMIM 263800.

Allele frequency attached by ClinVar (database versions not stated): gnomAD 0.00002; ExAC 0.00005; TOPMed 0.00002.
gnomAD v4.1: 43 of 1,613,892 alleles (0.0027%); highest among the groups gnomAD compares: Non-Finnish European, 0.0036%; no homozygotes.

Submissions (3):

Labcorp Genetics (formerly Invitae), Labcorp
Classification: Likely benign. Last evaluated: 2026-01-14. Review status: criteria provided, single submitter. Criteria: Invitae Variant Classification Sherloc (09022015). Collection method: clinical testing. Allele origin: germline.

Fulgent Genetics
Classification: Likely benign for Familial hypokalemia-hypomagnesemia. Last evaluated: 2021-07-21. Review status: criteria provided, single submitter. Criteria: ACMG Guidelines, 2015. Collection method: clinical testing. Allele origin: unknown.

PreventionGenetics, part of Exact Sciences
Classification: Likely benign for SLC12A3-related condition. Last evaluated: 2019-06-21. Review status: no assertion criteria provided. Collection method: clinical testing. Allele origin: germline. Not counted in ClinVar's aggregate classification.
Comment: This variant is classified as likely benign based on ACMG/AMP sequence variant interpretation guidelines (Richards et al. 2015 PMID: 25741868, with internal and published modifications).